The following is an entry in ClinVar:

ClinVar aggregate classification (germline): Likely pathogenic (1 of 4 stars; one submission).

Conditions:
RFX6-related disorder. Also called: RFX6-related condition.

Submission:

PreventionGenetics, part of Exact Sciences
Classification: Likely pathogenic for RFX6-related condition. Last evaluated: 2023-07-28. Review status: criteria provided, single submitter. Criteria: ACMG Guidelines, 2015. Collection method: clinical testing. Allele origin: germline.
Comment: The RFX6 c.781-1G>A variant is predicted to disrupt the AG splice acceptor site and interfere with normal splicing. To our knowledge, this variant has not been reported in the literature or in a large population database, indicating this variant is rare. Variants that disrupt the consensus splice acceptor site in RFX6 are expected to be pathogenic. This variant is interpreted as likely pathogenic.

NM_173560.4(RFX6):c.781-1G>A

Gene: RFX6 (regulatory factor X6; plus strand). Cytogenetic location: 6q22.1.
Variant type: single nucleotide variant.
Coding change: c.781-1G>A on transcript NM_173560.4 (MANE Select); the canonical splice acceptor site of the intron before coding-DNA position 781, G replaced by A.
Molecular consequence: splice acceptor variant.
Genome position (GRCh38, 1-based): chr6:116,916,007, G>A. VCF-style: chr6-116916007-G-A. GRCh37 (hg19) VCF-style: chr6-117237170-G-A.
Identifiers: ClinVar variation 2631488 (VCV002631488.1), dbSNP rs2482492907, ClinGen allele CA365432202.